The following is an entry in ClinVar:

ClinVar aggregate classification (germline): Uncertain significance. Review status: criteria provided, multiple submitters, no conflicts (2 of 4 stars). 3 submissions from 3 submitters: Uncertain significance (3). Last evaluated 2026-09-06.

Conditions:
Aortic aneurysm, familial thoracic 4 (AAT4). Also called: AORTIC ANEURYSM/AORTIC DISSECTION AND PATENT DUCTUS ARTERIOSUS. Identifiers: MedGen C1851504, MONDO:0007568, OMIM 132900.
Familial thoracic aortic aneurysm and aortic dissection (TAAD). Also called: Thoracic aortic aneurysms and dissections. Identifiers: Orphanet 91387, MedGen C4707243, MONDO:0019625.

Allele frequency attached by ClinVar (database versions not stated): TOPMed below 0.00001; gnomAD exomes 0.00001 and below 0.00001; gnomAD 0.00001.
gnomAD v4.1: 10 of 1,613,932 alleles (0.00062%); highest among the groups gnomAD compares: Non-Finnish European, 0.00085%; no homozygotes.

Submissions (3):

Ambry Genetics
Classification: Uncertain significance for Familial thoracic aortic aneurysm and aortic dissection. Last evaluated: 2026-09-06. Review status: criteria provided, single submitter. Criteria: Ambry Variant Classification Scheme 2023. Collection method: clinical testing. Allele origin: germline.
Comment: The p.K1638E variant (also known as c.4912A>G), located in coding exon 33 of the MYH11 gene, results from an A to G substitution at nucleotide position 4912. The lysine at codon 1638 is replaced by glutamic acid, an amino acid with similar properties. This amino acid position is conserved. In addition, the in silico prediction for this alteration is inconclusive. Based on the available evidence, the clinical significance of this variant remains unclear.

Labcorp Genetics (formerly Invitae), Labcorp
Classification: Uncertain significance for Aortic aneurysm, familial thoracic 4. Last evaluated: 2023-05-17. Review status: criteria provided, single submitter. Criteria: Invitae Variant Classification Sherloc (09022015). Collection method: clinical testing. Allele origin: germline.
Comment: In summary, the available evidence is currently insufficient to determine the role of this variant in disease. Therefore, it has been classified as a Variant of Uncertain Significance. Advanced modeling of protein sequence and biophysical properties (such as structural, functional, and spatial information, amino acid conservation, physicochemical variation, residue mobility, and thermodynamic stability) performed at Invitae indicates that this missense variant is not expected to disrupt MYH11 protein function. ClinVar contains an entry for this variant (Variation ID: 405481). This variant has not been reported in the literature in individuals affected with MYH11-related conditions. This variant is present in population databases (no rsID available, gnomAD 0.0009%). This sequence change replaces lysine, which is basic and polar, with glutamic acid, which is acidic and polar, at codon 1645 of the MYH11 protein (p.Lys1645Glu).

AiLife Diagnostics
Classification: Uncertain significance. Last evaluated: 2022-02-02. Review status: criteria provided, single submitter. Criteria: ACMG Guidelines, 2015. Collection method: clinical testing. Allele origin: germline. Affected: yes. Observed: 1 variant allele.

NM_002474.3(MYH11):c.4912A>G (p.Lys1638Glu)

Genes: MYH11 (myosin heavy chain 11; minus strand), NDE1 (nudE neurodevelopment protein 1; plus strand). Cytogenetic location: 16p13.11.
Variant type: single nucleotide variant.
Coding change: c.4912A>G on transcript NM_002474.3 (MANE Select); coding-DNA position 4912, A replaced by G.
Protein change: p.Lys1638Glu; replaces lysine 1638 with glutamic acid.
Molecular consequence: missense variant. On other transcripts: intron variant (2).
Genome position (GRCh38, 1-based): chr16:15,720,192, T>C on the plus strand (A>G on the coding strand, the complement: MYH11 is on the minus strand). VCF-style: chr16-15720192-T-C. GRCh37 (hg19) VCF-style: chr16-15814049-T-C.
Other names: c.4912A>G (NM_002474.2); c.4933A>G, p.Lys1645Glu (NM_001040113.2, NM_001040114.2); c.4912A>G, p.Lys1638Glu (NM_022844.3); c.948-3999T>C (NM_001143979.2, NM_017668.3); short protein forms K1645E, K1638E.
Identifiers: ClinVar variation 405481 (VCV000405481.13), dbSNP rs1060500728, ClinGen allele CA16614579.